The following is an entry in ClinVar:

ClinVar aggregate classification (germline): Conflicting classifications of pathogenicity. Review status: criteria provided, conflicting classifications (1 of 4 stars). 3 submissions from 3 submitters: Uncertain significance (1); Likely benign (1). 1 of the submissions does not count toward it. Last evaluated 2025-08-29.

Conditions:
COQ2-related disorder. Also called: COQ2-related condition.

Allele frequency attached by ClinVar (database versions not stated): TOPMed 0.00005; gnomAD exomes 0.00006 and 0.00008; ExAC 0.00007; gnomAD 0.00010 and 0.00011.
gnomAD v4.1: 124 of 1,607,604 alleles (0.0077%); highest among the groups gnomAD compares: Non-Finnish European, 0.0099%; no homozygotes.

Submissions (3):

Labcorp Genetics (formerly Invitae), Labcorp
Classification: Likely benign. Last evaluated: 2025-08-29. Review status: criteria provided, single submitter. Criteria: Invitae Variant Classification Sherloc (09022015). Collection method: clinical testing. Allele origin: germline.

Blueprint Genetics
Classification: Uncertain significance. Last evaluated: 2024-09-17. Review status: criteria provided, single submitter. Criteria: ACMG Guidelines, 2015. Collection method: clinical testing. Allele origin: germline.

PreventionGenetics, part of Exact Sciences
Classification: Likely benign for COQ2-related condition. Last evaluated: 2019-05-03. Review status: no assertion criteria provided. Collection method: clinical testing. Allele origin: germline. Not counted in ClinVar's aggregate classification.
Comment: This variant is classified as likely benign based on ACMG/AMP sequence variant interpretation guidelines (Richards et al. 2015 PMID: 25741868, with internal and published modifications).

NM_001358921.2(COQ2):c.966C>T (p.Asp322=)

Gene: COQ2 (coenzyme Q2, polyprenyltransferase; minus strand). Cytogenetic location: 4q21.23.
Variant type: single nucleotide variant.
Coding change: c.966C>T on transcript NM_001358921.2 (MANE Select); coding-DNA position 966, C replaced by T.
Protein change: p.Asp322=; no amino-acid change (aspartic acid 322 retained).
Molecular consequence: synonymous variant.
Genome position (GRCh38, 1-based): chr4:83,264,349, G>A on the plus strand (C>T on the coding strand, the complement: COQ2 is on the minus strand). VCF-style: chr4-83264349-G-A. GRCh37 (hg19) VCF-style: chr4-84185502-G-A.
Other names: c.1116C>T (NM_015697.7); c.1116C>T, p.Asp372= (NM_015697.9).
Identifiers: ClinVar variation 1579062 (VCV001579062.11), dbSNP rs571021239, ClinGen allele CA2988454.